The following is an entry in ClinVar:

NM_020338.4(ZMIZ1):c.783C>T (p.Pro261=)

Gene: ZMIZ1 (zinc finger MIZ-type containing 1; plus strand). Cytogenetic location: 10q22.3.
Variant type: single nucleotide variant.
Coding change: c.783C>T on transcript NM_020338.4 (MANE Select); coding-DNA position 783, C replaced by T.
Protein change: p.Pro261=; no amino-acid change (proline 261 retained).
Molecular consequence: synonymous variant.
Genome position (GRCh38, 1-based): chr10:79,292,182, C>T. VCF-style: chr10-79292182-C-T. GRCh37 (hg19) VCF-style: chr10-81051939-C-T.
Identifiers: ClinVar variation 1565198 (VCV001565198.33), dbSNP rs78587165, ClinGen allele CA5572453.

ClinVar aggregate classification (germline): Likely benign. Review status: criteria provided, multiple submitters, no conflicts (2 of 4 stars). 4 submissions from 4 submitters: Likely benign (4). Last evaluated 2025-09-20.

Allele frequency attached by ClinVar (database versions not stated): ExAC 0.00005; gnomAD exomes 0.00007 and 0.00009; ESP Exome Variant Server 0.00008; gnomAD 0.00009; TOPMed 0.00010.
gnomAD v4.1: 196 of 1,610,786 alleles (0.012%); highest among the groups gnomAD compares: East Asian, 0.02%; 2 homozygotes.

Submissions (4):

Labcorp Genetics (formerly Invitae), Labcorp
Classification: Likely benign. Last evaluated: 2025-09-20. Review status: criteria provided, single submitter. Criteria: Invitae Variant Classification Sherloc (09022015). Collection method: clinical testing. Allele origin: germline.

Blueprint Genetics
Classification: Likely benign. Last evaluated: 2024-09-20. Review status: criteria provided, single submitter. Criteria: ACMG Guidelines, 2015. Collection method: clinical testing. Allele origin: germline.

CeGaT Center for Human Genetics Tuebingen
Classification: Likely benign. Last evaluated: 2023-10-01. Review status: criteria provided, single submitter. Criteria: CeGaT Center For Human Genetics Tuebingen Variant Classification Criteria Version 2. Collection method: clinical testing. Allele origin: germline. Affected: yes. Observed: 1 variant allele.
Comment: ZMIZ1: BP4, BP7

Breakthrough Genomics
Classification: Likely benign. Review status: criteria provided, single submitter. Criteria: ACMG Guidelines, 2015. Collection method: not provided. Allele origin: germline. Inheritance: Autosomal dominant inheritance. Affected: yes.